The following is an entry in ClinVar:

ClinVar aggregate classification (germline): Uncertain significance (1 of 4 stars; one submission).

Submission:

GeneDx
Classification: Uncertain significance. Last evaluated: 2022-06-22. Review status: criteria provided, single submitter. Criteria: GeneDx Variant Classification Process June 2021. Collection method: clinical testing. Allele origin: germline. Affected: yes.
Comment: Not observed at significant frequency in large population cohorts (gnomAD); In silico analysis supports that this missense variant has a deleterious effect on protein structure/function; Has not been previously published as pathogenic or benign to our knowledge

NM_001001331.4(ATP2B2):c.788A>T (p.His263Leu)

Gene: ATP2B2 (ATPase plasma membrane Ca2+ transporting 2; minus strand). Cytogenetic location: 3p25.3.
Variant type: single nucleotide variant.
Coding change: c.788A>T on transcript NM_001001331.4 (MANE Select); coding-DNA position 788, A replaced by T.
Protein change: p.His263Leu; replaces histidine 263 with leucine.
Molecular consequence: missense variant.
Genome position (GRCh38, 1-based): chr3:10,388,396, T>A on the plus strand (A>T on the coding strand, the complement: ATP2B2 is on the minus strand). VCF-style: chr3-10388396-T-A. GRCh37 (hg19) VCF-style: chr3-10430080-T-A.
Other names: c.788A>T, p.His263Leu (NM_001330611.3, NM_001353564.1, NM_001363862.1 and 1 more transcripts); short protein forms H263L.
Identifiers: ClinVar variation 1806715 (VCV001806715.1), dbSNP rs2470526921, ClinGen allele CA351772842.